The following is an entry in ClinVar:

NM_020366.4(RPGRIP1):c.2314C>T (p.Gln772Ter)

Gene: RPGRIP1 (RPGR interacting protein 1; plus strand). Cytogenetic location: 14q11.2.
Variant type: single nucleotide variant.
Coding change: c.2314C>T on transcript NM_020366.4 (MANE Select); coding-DNA position 2314, C replaced by T.
Protein change: p.Gln772Ter; replaces glutamine 772 with a stop codon.
Molecular consequence: nonsense. On other transcripts: intron variant (4).
Genome position (GRCh38, 1-based): chr14:21,325,330, C>T. VCF-style: chr14-21325330-C-T. GRCh37 (hg19) VCF-style: chr14-21793489-C-T.
Other names: c.1240C>T, p.Gln414Ter (NM_001377948.1); c.796+605C>T (NM_001377949.1); c.689-2293C>T (NM_001377523.1, NM_001377950.1); c.191-2293C>T (NM_001377951.1); short protein forms Q772*, Q414*.
Identifiers: ClinVar variation 236507 (VCV000236507.7), dbSNP rs577932201, ClinGen allele CA7089216.

ClinVar aggregate classification (germline): Pathogenic. Review status: criteria provided, multiple submitters, no conflicts (2 of 4 stars). 3 submissions from 3 submitters: Pathogenic (2). 1 of the submissions does not count toward it. Last evaluated 2022-10-07.

Conditions:
RPGRIP1-related disorder. Also called: RPGRIP1-related condition.
Retinal dystrophy. Also called: Inherited retinal dystrophy. Identifiers: Orphanet 71862, MedGen C0854723, MeSH D058499, MONDO:0019118, HP:0000556.
Leber congenital amaurosis 6 (LCA6). Identifiers: Orphanet 65, MedGen C1854260, MONDO:0013446, OMIM 613826.
Cone-rod dystrophy 13 (CORD13). Identifiers: Orphanet 1872, MedGen C2750720, MONDO:0011987, OMIM 608194.

Allele frequency attached by ClinVar (database versions not stated): ExAC 0.00001; gnomAD 0.00001; gnomAD exomes 0.00001; 1000 Genomes Project 30x 0.00016; 1000 Genomes Project 0.00020.
gnomAD v4.1: 11 of 1,605,282 alleles (0.00069%); highest among the groups gnomAD compares: East Asian, 0.0022%; no homozygotes.

Submissions (3):

Labcorp Genetics (formerly Invitae), Labcorp
Classification: Pathogenic for Leber congenital amaurosis 6; Cone-rod dystrophy 13. Last evaluated: 2022-10-07. Review status: criteria provided, single submitter. Criteria: Invitae Variant Classification Sherloc (09022015). Collection method: clinical testing. Allele origin: germline.
Comment: For these reasons, this variant has been classified as Pathogenic. This sequence change creates a premature translational stop signal (p.Gln772*) in the RPGRIP1 gene. It is expected to result in an absent or disrupted protein product. Loss-of-function variants in RPGRIP1 are known to be pathogenic (PMID: 11528500, 23105016). This variant is present in population databases (rs577932201, gnomAD 0.008%). This premature translational stop signal has been observed in individual(s) with RPGRIP1-related conditions (PMID: 27208204). ClinVar contains an entry for this variant (Variation ID: 236507). Algorithms developed to predict the effect of sequence changes on RNA splicing suggest that this variant may disrupt the consensus splice site.

Blueprint Genetics
Classification: Pathogenic for RPGRIP1-related disorders. Last evaluated: 2021-05-27. Review status: criteria provided, single submitter. Criteria: ACMG Guidelines, 2015. Collection method: clinical testing. Allele origin: germline. Affected: yes. Observed: 2 variant alleles.

Centre for Genomic Medicine, Manchester, Central Manchester University Hospitals
Classification: Likely pathogenic for Retinal dystrophy. Review status: no assertion criteria provided. Collection method: clinical testing. Allele origin: germline. Affected: yes. Not counted in ClinVar's aggregate classification.

Literature cited by the submitters: PubMed 11528500 (cited by Labcorp Genetics (formerly Invitae), Labcorp); PubMed 23105016 (cited by Labcorp Genetics (formerly Invitae), Labcorp); PubMed 27208204 (cited by Labcorp Genetics (formerly Invitae), Labcorp).